The following is an entry in ClinVar:

ClinVar aggregate classification (germline): Uncertain significance. Review status: criteria provided, multiple submitters, no conflicts (2 of 4 stars). 4 submissions from 4 submitters: Uncertain significance (3). 1 of the submissions does not count toward it. Last evaluated 2025-12-08.

Conditions:
Optic atrophy. Identifiers: MedGen C0029124, MONDO:0003608, HP:0000648.

Allele frequency attached by ClinVar (database versions not stated): gnomAD exomes 0.00001; TOPMed 0.00001.

Submissions (4):

Labcorp Genetics (formerly Invitae), Labcorp
Classification: Uncertain significance. Last evaluated: 2025-12-08. Review status: criteria provided, single submitter. Criteria: Invitae Variant Classification Sherloc (09022015). Collection method: clinical testing. Allele origin: germline.
Comment: This sequence change replaces arginine, which is basic and polar, with histidine, which is basic and polar, at codon 596 of the COL2A1 protein (p.Arg596His). This variant is not present in population databases (gnomAD no frequency). This variant has not been reported in the literature in individuals affected with COL2A1-related conditions. ClinVar contains an entry for this variant (Variation ID: 391702). Invitae Evidence Modeling of protein sequence and biophysical properties (such as structural, functional, and spatial information, amino acid conservation, physicochemical variation, residue mobility, and thermodynamic stability) has been performed for this missense variant. However, the output from this modeling did not meet the statistical confidence thresholds required to predict the impact of this variant on COL2A1 protein function. In summary, the available evidence is currently insufficient to determine the role of this variant in disease. Therefore, it has been classified as a Variant of Uncertain Significance.

Blueprint Genetics
Classification: Uncertain significance. Last evaluated: 2023-07-04. Review status: criteria provided, single submitter. Criteria: ACMG Guidelines, 2015. Collection method: clinical testing. Allele origin: germline.

GeneDx
Classification: Uncertain significance. Last evaluated: 2020-05-06. Review status: criteria provided, single submitter. Criteria: GeneDx Variant Classification Process June 2021. Collection method: clinical testing. Allele origin: germline. Affected: yes.
Comment: In silico analysis supports that this missense variant has a deleterious effect on protein structure/function; Has not been previously published as pathogenic or benign to our knowledge; Occurs in the triple helical domain at the Y position in the canonical Gly-X-Y repeat; although this variant may have an effect on normal protein folding and function, missense substitution at the Y position is not a common mechanism of disease (Stenson et al., 2014)

Institute of Human Genetics, Univ. Regensburg, Univ. Regensburg
Classification: Uncertain significance for Optic atrophy. Last evaluated: 2022-01-01. Review status: no assertion criteria provided. Criteria: ACMG Guidelines, 2015. Collection method: clinical testing. Allele origin: germline. Affected: yes. Not counted in ClinVar's aggregate classification.

NM_001844.5(COL2A1):c.1787G>A (p.Arg596His)

Gene: COL2A1 (collagen type II alpha 1 chain; minus strand). Cytogenetic location: 12q13.11.
Variant type: single nucleotide variant.
Coding change: c.1787G>A on transcript NM_001844.5 (MANE Select); coding-DNA position 1787, G replaced by A.
Protein change: p.Arg596His; replaces arginine 596 with histidine.
Molecular consequence: missense variant.
Genome position (GRCh38, 1-based): chr12:47,985,041, C>T on the plus strand (G>A on the coding strand, the complement: COL2A1 is on the minus strand). VCF-style: chr12-47985041-C-T. GRCh37 (hg19) VCF-style: chr12-48378824-C-T.
Other names: c.1580G>A, p.Arg527His (NM_033150.3); short protein forms R596H, R527H.
Identifiers: ClinVar variation 391702 (VCV000391702.12), dbSNP rs1057524199, ClinGen allele CA16606288.